The following is an entry in ClinVar:

NM_001130009.3(GEN1):c.1936G>A (p.Val646Met)

Gene: GEN1 (GEN1 Holliday junction 5' flap endonuclease; plus strand). Cytogenetic location: 2p24.2.
Variant type: single nucleotide variant.
Coding change: c.1936G>A on transcript NM_001130009.3 (MANE Select); coding-DNA position 1936, G replaced by A.
Protein change: p.Val646Met; replaces valine 646 with methionine.
Molecular consequence: missense variant.
Genome position (GRCh38, 1-based): chr2:17,781,148, G>A. VCF-style: chr2-17781148-G-A. GRCh37 (hg19) VCF-style: chr2-17962415-G-A.
Other names: c.1936G>A, p.Val646Met (NM_182625.5); short protein forms V646M.
Identifiers: ClinVar variation 4263010 (VCV004263010.1).

ClinVar aggregate classification (germline): Uncertain significance (1 of 4 stars; one submission).

Submission:

Ambry Genetics
Classification: Uncertain significance. Last evaluated: 2025-07-05. Review status: criteria provided, single submitter. Criteria: Ambry Variant Classification Scheme 2023. Collection method: clinical testing. Allele origin: germline.
Comment: The p.V646M variant (also known as c.1936G>A), located in coding exon 13 of the GEN1 gene, results from a G to A substitution at nucleotide position 1936. The valine at codon 646 is replaced by methionine, an amino acid with highly similar properties. This amino acid position is conserved. In addition, this alteration is predicted to be tolerated by in silico analysis. Based on the available evidence, the clinical significance of this variant remains unclear.